The following is an entry in ClinVar:

ClinVar aggregate classification (germline): Uncertain significance. Review status: criteria provided, multiple submitters, no conflicts (2 of 4 stars). 2 submissions from 2 submitters: Uncertain significance (2). Last evaluated 2023-12-04.

Conditions:
Catecholaminergic polymorphic ventricular tachycardia 1. Also called: VENTRICULAR TACHYCARDIA, CATECHOLAMINERGIC POLYMORPHIC, 1, WITH OR WITHOUT ATRIAL DYSFUNCTION AND/OR DILATED CARDIOMYOPATHY; RYR2-Related Catecholaminergic Polymorphic Ventricular Tachycardia; VENTRICULAR TACHYCARDIA, STRESS-INDUCED POLYMORPHIC 1. Identifiers: Orphanet 3286, MedGen C1631597, MONDO:0011484, OMIM 604772.
Cardiomyopathy (CMYO). Also called: Cardiomyopathies. Identifiers: Orphanet 167848, MedGen C0878544, MONDO:0004994, HP:0001638. Inheritance: Various modes of inheritance.

Allele frequency attached by ClinVar (database versions not stated): gnomAD exomes 0.00001.
gnomAD v4.1: 9 of 1,613,194 alleles (0.00056%); highest among the groups gnomAD compares: Non-Finnish European, 0.00076%; no homozygotes.

Submissions (2):

Color Diagnostics, LLC DBA Color Health
Classification: Uncertain significance for Cardiomyopathy. Last evaluated: 2023-12-04. Review status: criteria provided, single submitter. Criteria: ACMG Guidelines, 2015. Collection method: clinical testing. Allele origin: germline.
Comment: This missense variant replaces proline with leucine at codon 4802 of the RYR2 protein. Computational prediction tools and conservation analyses are inconclusive regarding the impact of this variant on protein function. Computational splicing tools suggest that this variant may not impact RNA splicing. To our knowledge, functional assays have not been performed for this variant nor has this variant been reported in individuals affected with cardiovascular disorders in the literature. This variant has not been identified in the general population by the Genome Aggregation Database (gnomAD). Available evidence is insufficient to determine the role of this variant in disease conclusively. Therefore, this variant is classified as a Variant of Uncertain Significance.

Labcorp Genetics (formerly Invitae), Labcorp
Classification: Uncertain significance for Catecholaminergic polymorphic ventricular tachycardia 1. Last evaluated: 2023-05-31. Review status: criteria provided, single submitter. Criteria: Invitae Variant Classification Sherloc (09022015). Collection method: clinical testing. Allele origin: germline.
Comment: In summary, the available evidence is currently insufficient to determine the role of this variant in disease. Therefore, it has been classified as a Variant of Uncertain Significance. Advanced modeling of protein sequence and biophysical properties (such as structural, functional, and spatial information, amino acid conservation, physicochemical variation, residue mobility, and thermodynamic stability) performed at Invitae indicates that this missense variant is not expected to disrupt RYR2 protein function. ClinVar contains an entry for this variant (Variation ID: 919365). This variant has not been reported in the literature in individuals affected with RYR2-related conditions. This variant is not present in population databases (gnomAD no frequency). This sequence change replaces proline, which is neutral and non-polar, with leucine, which is neutral and non-polar, at codon 4802 of the RYR2 protein (p.Pro4802Leu).

NM_001035.3(RYR2):c.14405C>T (p.Pro4802Leu)

Gene: RYR2 (ryanodine receptor 2; plus strand). Cytogenetic location: 1q43.
Variant type: single nucleotide variant.
Coding change: c.14405C>T on transcript NM_001035.3 (MANE Select); coding-DNA position 14405, C replaced by T.
Protein change: p.Pro4802Leu; replaces proline 4802 with leucine.
Molecular consequence: missense variant.
Genome position (GRCh38, 1-based): chr1:237,809,007, C>T. VCF-style: chr1-237809007-C-T. GRCh37 (hg19) VCF-style: chr1-237972307-C-T.
Other names: short protein forms P4802L.
Identifiers: ClinVar variation 919365 (VCV000919365.7), dbSNP rs1660968129, ClinGen allele CA345424474.